The following is an entry in ClinVar:

NM_000444.6(PHEX):c.1640A>C (p.Gln547Pro)

Gene: PHEX (phosphate regulating endopeptidase X-linked; plus strand). Cytogenetic location: Xp22.11.
Variant type: single nucleotide variant.
Coding change: c.1640A>C on transcript NM_000444.6 (MANE Select); coding-DNA position 1640, A replaced by C.
Protein change: p.Gln547Pro; replaces glutamine 547 with proline.
Molecular consequence: missense variant.
Genome position (GRCh38, 1-based): chrX:22,190,497, A>C. VCF-style: chrX-22190497-A-C. GRCh37 (hg19) VCF-style: chrX-22208614-A-C.
Other names: c.1640A>C, p.Gln547Pro (NM_001282754.2); short protein forms Q547P.
Identifiers: ClinVar variation 1067482 (VCV001067482.9), dbSNP rs2147139114, ClinGen allele CA412575139.

ClinVar aggregate classification (germline): Likely pathogenic (1 of 4 stars; one submission).

Submission:

Labcorp Genetics (formerly Invitae), Labcorp
Classification: Likely pathogenic. Last evaluated: 2020-09-11. Review status: criteria provided, single submitter. Criteria: Invitae Variant Classification Sherloc (09022015). Collection method: clinical testing. Allele origin: germline.
Comment: In summary, the currently available evidence indicates that the variant is pathogenic, but additional data are needed to prove that conclusively. Therefore, this variant has been classified as Likely Pathogenic. This sequence change replaces glutamine with proline at codon 547 of the PHEX protein (p.Gln547Pro). The glutamine residue is moderately conserved and there is a moderate physicochemical difference between glutamine and proline. This variant is not present in population databases (ExAC no frequency). This variant has been observed in individual(s) with hypophosphatemic rickets (Invitae). Advanced modeling of protein sequence and biophysical properties (such as structural, functional, and spatial information, amino acid conservation, physicochemical variation, residue mobility, and thermodynamic stability) performed at Invitae indicates that this missense variant is expected to disrupt PHEX protein function.